The following is an entry in ClinVar:

NM_003491.4(NAA10):c.49T>G (p.Cys17Gly)

Gene: NAA10 (N-alpha-acetyltransferase 10, NatA catalytic subunit; minus strand). Cytogenetic location: Xq28.
Variant type: single nucleotide variant.
Coding change: c.49T>G on transcript NM_003491.4 (MANE Select); coding-DNA position 49, T replaced by G.
Protein change: p.Cys17Gly; replaces cysteine 17 with glycine.
Molecular consequence: missense variant.
Genome position (GRCh38, 1-based): chrX:153,934,448, A>C on the plus strand (T>G on the coding strand, the complement: NAA10 is on the minus strand). VCF-style: chrX-153934448-A-C. GRCh37 (hg19) VCF-style: chrX-153199901-A-C.
Other names: c.49T>G, p.Cys17Gly (NM_001256119.2, NM_001256120.2); short protein forms C17G.
Identifiers: ClinVar variation 1300802 (VCV001300802.2), dbSNP rs2148536705, ClinGen allele CA415162564.

ClinVar aggregate classification (germline): Likely pathogenic (1 of 4 stars; one submission).

Submission:

GeneDx
Classification: Likely pathogenic. Last evaluated: 2021-10-01. Review status: criteria provided, single submitter. Criteria: GeneDx Variant Classification Process June 2021. Collection method: clinical testing. Allele origin: germline. Affected: yes.
Comment: Has not been previously published as pathogenic or benign to our knowledge; Not observed in large population cohorts (Lek et al., 2016); In silico analysis supports that this missense variant has a deleterious effect on protein structure/function